The following is an entry in ClinVar:

ClinVar aggregate classification (germline): Uncertain significance (1 of 4 stars; one submission).

Allele frequency attached by ClinVar (database versions not stated): gnomAD exomes below 0.00001 and 0.00002; ExAC 0.00001; TOPMed 0.00001.
gnomAD v4.1: 26 of 1,614,058 alleles (0.0016%); highest among the groups gnomAD compares: East Asian, 0.056%; no homozygotes.

Submission:

Labcorp Genetics (formerly Invitae), Labcorp
Classification: Uncertain significance. Last evaluated: 2020-12-26. Review status: criteria provided, single submitter. Criteria: Invitae Variant Classification Sherloc (09022015). Collection method: clinical testing. Allele origin: germline.
Comment: This sequence change replaces glycine with alanine at codon 376 of the DVL3 protein (p.Gly376Ala). The glycine residue is moderately conserved and there is a small physicochemical difference between glycine and alanine. In summary, the available evidence is currently insufficient to determine the role of this variant in disease. Therefore, it has been classified as a Variant of Uncertain Significance. Algorithms developed to predict the effect of missense changes on protein structure and function (SIFT, PolyPhen-2, Align-GVGD) all suggest that this variant is likely to be tolerated, but these predictions have not been confirmed by published functional studies and their clinical significance is uncertain. This variant has not been reported in the literature in individuals with DVL3-related conditions. This variant is present in population databases (rs750955032, ExAC 0.01%).

NM_004423.4(DVL3):c.1127G>C (p.Gly376Ala)

Gene: DVL3 (dishevelled segment polarity protein 3; plus strand). Cytogenetic location: 3q27.1.
Variant type: single nucleotide variant.
Coding change: c.1127G>C on transcript NM_004423.4 (MANE Select); coding-DNA position 1127, G replaced by C.
Protein change: p.Gly376Ala; replaces glycine 376 with alanine.
Molecular consequence: missense variant.
Genome position (GRCh38, 1-based): chr3:184,166,904, G>C. VCF-style: chr3-184166904-G-C. GRCh37 (hg19) VCF-style: chr3-183884692-G-C.
Other names: short protein forms G376A.
Identifiers: ClinVar variation 1442707 (VCV001442707.8), dbSNP rs750955032, ClinGen allele CA2727342.